The following is an entry in ClinVar:

ClinVar aggregate classification (germline): Uncertain significance. Review status: criteria provided, multiple submitters, no conflicts (2 of 4 stars). 2 submissions from 2 submitters: Uncertain significance (2). Last evaluated 2025-09-10.

Conditions:
Inborn genetic diseases. Identifiers: MedGen C0950123, MeSH D030342.

Allele frequency attached by ClinVar (database versions not stated): gnomAD exomes below 0.00001.
gnomAD v4.1: 1 of 1,597,374 alleles (0.000063%); highest among the groups gnomAD compares: Admixed American, 0.0017%; no homozygotes.

Submissions (2):

Ambry Genetics
Classification: Uncertain significance for Inborn genetic diseases. Last evaluated: 2025-09-10. Review status: criteria provided, single submitter. Criteria: Ambry Variant Classification Scheme 2023. Collection method: clinical testing. Allele origin: germline.

Labcorp Genetics (formerly Invitae), Labcorp
Classification: Uncertain significance. Last evaluated: 2022-02-09. Review status: criteria provided, single submitter. Criteria: Invitae Variant Classification Sherloc (09022015). Collection method: clinical testing. Allele origin: germline.
Comment: This sequence change replaces glutamine, which is neutral and polar, with arginine, which is basic and polar, at codon 109 of the CABP4 protein (p.Gln109Arg). This variant is present in population databases (no rsID available, gnomAD 0.003%). This variant has not been reported in the literature in individuals affected with CABP4-related conditions. ClinVar contains an entry for this variant (Variation ID: 1013856). Advanced modeling of protein sequence and biophysical properties (such as structural, functional, and spatial information, amino acid conservation, physicochemical variation, residue mobility, and thermodynamic stability) performed at Invitae indicates that this missense variant is not expected to disrupt CABP4 protein function. In summary, the available evidence is currently insufficient to determine the role of this variant in disease. Therefore, it has been classified as a Variant of Uncertain Significance.

NM_145200.5(CABP4):c.326A>G (p.Gln109Arg)

Gene: CABP4 (calcium binding protein 4; plus strand). Cytogenetic location: 11q13.2.
Variant type: single nucleotide variant.
Coding change: c.326A>G on transcript NM_145200.5 (MANE Select); coding-DNA position 326, A replaced by G.
Protein change: p.Gln109Arg; replaces glutamine 109 with arginine.
Molecular consequence: missense variant. On other transcripts: 5 prime UTR variant (3), non-coding transcript variant (1).
Genome position (GRCh38, 1-based): chr11:67,455,749, A>G. VCF-style: chr11-67455749-A-G. GRCh37 (hg19) VCF-style: chr11-67223220-A-G.
Other names: c.-58A>G (NM_001300895.3); c.-72A>G (NM_001300896.3, NM_001379183.1); c.326A>G (NM_145200.3); short protein forms Q109R.
Identifiers: ClinVar variation 1013856 (VCV001013856.7), dbSNP rs1278067109, ClinGen allele CA381528634.